The following is an entry in ClinVar:

NM_018192.4(P3H2):c.747_748del (p.Leu250fs)

Gene: P3H2 (prolyl 3-hydroxylase 2; minus strand). Cytogenetic location: 3q28.
Variant type: Deletion.
Coding change: c.747_748del on transcript NM_018192.4 (MANE Select); coding-DNA positions 747 to 748, 2 bases deleted (CC; older notation c.747_748delCC).
Protein change: p.Leu250fs; shifts the reading frame from leucine 250.
Molecular consequence: frameshift variant.
Genome position (GRCh38, 1-based): chr3:189,994,169-189,994,170, GG deleted on the plus strand (CC on the coding strand, the reverse complement: P3H2 is on the minus strand); deleting any 2 consecutive bases within chr3:189,994,169-189,994,171 gives the same sequence; the c. name uses the placement nearest the transcript's 3' end. VCF-style (leftmost placement, unchanged base first): chr3-189994168-AGG-A. GRCh37 (hg19) VCF-style: chr3-189711957-AGG-A.
Other names: c.204_205del, p.Leu69fs (NM_001134418.2); short protein forms L250fs, L69fs.
Identifiers: ClinVar variation 4850365 (VCV004850365.1).
Genomic context (GRCh38, chr3:189,994,168, plus strand): 5'-TACAGACCAGCCTTATACCCTAAATACTCATATTCTTCAAATCTCTGAGGCCCCTCACAT[AGG>A]GTCCGGCATTCTGTATCTTCAACGAAATATTCTCTTAAGGCTTGTTCGAAGTGCCTGATA-3'

ClinVar aggregate classification (germline): Likely pathogenic (1 of 4 stars; one submission).

Conditions:
Myopia, high, with cataract and vitreoretinal degeneration (MCVD). Identifiers: MedGen C3280346, MONDO:0013670, OMIM 614292.

Submission:

First Genomix Gene Laboratory, Genetic Diagnostics Department
Classification: Likely pathogenic for Myopia, high, with cataract and vitreoretinal degeneration. Last evaluated: 2025-09-17. Review status: criteria provided, single submitter. Criteria: ACMG Guidelines, 2015. Collection method: clinical testing. Allele origin: germline. Inheritance: Autosomal recessive inheritance. Affected: no. Observed: 1 variant allele.